The following is an entry in ClinVar:

NM_024337.4(IRX1):c.983G>C (p.Gly328Ala)

Gene: IRX1 (iroquois homeobox 1; plus strand). Cytogenetic location: 5p15.33.
Variant type: single nucleotide variant.
Coding change: c.983G>C on transcript NM_024337.4 (MANE Select); coding-DNA position 983, G replaced by C.
Protein change: p.Gly328Ala; replaces glycine 328 with alanine.
Molecular consequence: missense variant.
Genome position (GRCh38, 1-based): chr5:3,599,931, G>C. VCF-style: chr5-3599931-G-C. GRCh37 (hg19) VCF-style: chr5-3600045-G-C.
Other names: short protein forms G328A.
Identifiers: ClinVar variation 4872501 (VCV004872501.2).
Genomic context (GRCh38, chr5:3,599,931, plus strand): 5'-GTGCGCCGCACGGCAAGCCCAAGATCTGGTCGCTGGCGGAGACAGCCACGAGCCCCGACG[G>C]TGCGCCCAAGGCTTCGCCACCACCACCCGCGGGCCACCCCGGCGCGCACGGGCCCTCCGC-3'
Protein context (NP_077313.3, residues 318-338): SLAETATSPD[Gly328Ala]APKASPPPPA

ClinVar aggregate classification (germline): Likely benign (1 of 4 stars; one submission).

gnomAD v4.1: 242 of 1,487,658 alleles (0.016%); highest among the groups gnomAD compares: Non-Finnish European, 0.014%; no homozygotes.

Submission:

CeGaT Center for Human Genetics Tuebingen
Classification: Likely benign. Last evaluated: 2026-04-01. Review status: criteria provided, single submitter. Criteria: CeGaT Center For Human Genetics Tuebingen Variant Classification Criteria Version 2. Collection method: clinical testing. Allele origin: germline. Affected: yes. Observed: 1 variant allele.
Comment: IRX1: BS1